The following is an entry in ClinVar:

ClinVar aggregate classification (germline): Likely pathogenic (1 of 4 stars; one submission).

Conditions:
Glycogen storage disease, type V (GSD5). Also called: MCARDLE DISEASE; MUSCLE GLYCOGEN PHOSPHORYLASE DEFICIENCY; MYOPHOSPHORYLASE DEFICIENCY; PYGM DEFICIENCY; McArdle type glycogen storage disease. Identifiers: Orphanet 368, MedGen C0017924, MONDO:0009293, OMIM 232600.

Submission:

Natera, Inc.
Classification: Likely pathogenic for Glycogen storage disease V. Last evaluated: 2024-05-15. Review status: criteria provided, single submitter. Criteria: Natera Variant Classification Schema (03/2026). Collection method: clinical testing. Allele origin: germline.
Comment: The c.772+1G>C variant in PYGM is a canonical splice donor site variant predicted to affect pre-mRNA splicing, which may result in an abnormal transcript and altered protein product. This variant is expected to result in nonsense mediated decay, truncation, or a dysfunctional protein product. This variant is rare in the general population with a frequency below the threshold expected for the associated phenotype(s). Given the available evidence, this variant is classified as Likely Pathogenic.

NM_005609.4(PYGM):c.772+1G>C

Gene: PYGM (glycogen phosphorylase, muscle associated; minus strand). Cytogenetic location: 11q13.1.
Variant type: single nucleotide variant.
Coding change: c.772+1G>C on transcript NM_005609.4 (MANE Select); the canonical splice donor site of the intron after coding-DNA position 772, G replaced by C.
Molecular consequence: splice donor variant.
Genome position (GRCh38, 1-based): chr11:64,755,446, C>G on the plus strand (G>C on the coding strand, the complement: PYGM is on the minus strand). VCF-style: chr11-64755446-C-G. GRCh37 (hg19) VCF-style: chr11-64522918-C-G.
Other names: c.508+1G>C (NM_001164716.1).
Identifiers: ClinVar variation 4815439 (VCV004815439.1).
Genomic context (GRCh38, chr11:64,755,446, plus strand): 5'-CCTGCGCTGGGCGTGGCCGGCGGGCAAGCTGGGGTTGCTGGCTACCAGTGGATGAACTCA[C>G]AGTCCTTGAGGTTGAAGTCATTGGGAGCCTTGGCAGACCAGAGGCGCATGGTGTTGACAA-3'